The following is an entry in ClinVar:

NM_001510.4(GRID2):c.2325A>G (p.Gln775=)

Gene: GRID2 (glutamate ionotropic receptor delta type subunit 2; plus strand). Cytogenetic location: 4q22.2.
Variant type: single nucleotide variant.
Coding change: c.2325A>G on transcript NM_001510.4 (MANE Select); coding-DNA position 2325, A replaced by G.
Protein change: p.Gln775=; no amino-acid change (glutamine 775 retained).
Molecular consequence: synonymous variant.
Genome position (GRCh38, 1-based): chr4:93,626,400, A>G. VCF-style: chr4-93626400-A-G. GRCh37 (hg19) VCF-style: chr4-94547551-A-G.
Other names: c.2040A>G, p.Gln680= (NM_001286838.1).
Identifiers: ClinVar variation 2654952 (VCV002654952.27), dbSNP rs139320203, ClinGen allele CA3012513.

ClinVar aggregate classification (germline): Likely benign. Review status: criteria provided, multiple submitters, no conflicts (2 of 4 stars). 2 submissions from 2 submitters: Likely benign (2). Last evaluated 2025-06-01.

Allele frequency attached by ClinVar (database versions not stated): gnomAD exomes 0.00002; ExAC 0.00012; ESP Exome Variant Server 0.00023; gnomAD 0.00029; TOPMed 0.00037; 1000 Genomes Project 30x 0.00062; 1000 Genomes Project 0.00080.
gnomAD v4.1: 88 of 1,611,790 alleles (0.0055%); highest among the groups gnomAD compares: African/African-American, 0.083%; no homozygotes.

Submissions (2):

CeGaT Center for Human Genetics Tuebingen
Classification: Likely benign. Last evaluated: 2025-06-01. Review status: criteria provided, single submitter. Criteria: CeGaT Center For Human Genetics Tuebingen Variant Classification Criteria Version 2. Collection method: clinical testing. Allele origin: germline. Affected: yes. Observed: 2 variant alleles.
Comment: GRID2: BP4, BP7

Labcorp Genetics (formerly Invitae), Labcorp
Classification: Likely benign. Last evaluated: 2024-11-30. Review status: criteria provided, single submitter. Criteria: Invitae Variant Classification Sherloc (09022015). Collection method: clinical testing. Allele origin: germline.